The following is an entry in ClinVar:

ClinVar aggregate classification (germline): Uncertain significance (1 of 4 stars; one submission).

Submission:

Women's Health and Genetics/Laboratory Corporation of America, LabCorp
Classification: Uncertain significance. Last evaluated: 2022-10-11. Review status: criteria provided, single submitter. Criteria: LabCorp Variant Classification Summary - May 2015. Collection method: clinical testing. Allele origin: germline.
Comment: Variant summary: The variant identified by MLPA or other technology involves the duplication of exon 16, which encompasses the last exon of the CDH2 gene, and might extend downstream of the assayed region of the gene. A presumed nomenclature of c.(2514+1_2515-1)_(*1191_?)dup has been designated for the purposes of this classification. It has been assumed that this is a tandem duplication in direct orientation (Richardson_GIM_2018, Newman_AJHG_2015). Since the exact breakpoints of this duplication are not known, it is not possible to predict the protein level effect of this variant. A variant involving the duplication of exon 16 together with a large (~95 kbp) DNA segment extending downstream of the gene, was found at a frequency of f 4.6e-05 in 21694 control chromosomes (i.e. in 1 heterozygous carrier) in the gnomAD database, structural variants dataset. The available data on variant occurrences in the general population are insufficient to allow any conclusion about variant significance. To our knowledge, no occurrence of c.(2514+1_2515-1)_(*1191_?)dup in individuals affected with CDH2-Related Disorders and no experimental evidence demonstrating its impact on protein function have been reported. No clinical diagnostic laboratories have submitted clinical-significance assessments for this variant to ClinVar after 2014. In conclusion, while it may be assumed that duplication variants including a large DNA segment downstream of the gene might result in regular transcription- and translation termination with an unaffected protein product, however shorter tandem duplication variants involving the last exon may also result in a frameshift or in-frame duplication change, or can affect the 3' UTR end of the mRNA, which might be associated with disease. Since it is not possible to distinguish between these two outcomes in the context of this evaluation, the variant was classified as uncertain significance.

NC_000018.9:g.(?_25530926)_(25532324_25543320)dup

Gene: CDH2 (cadherin 2; minus strand). Cytogenetic location: 18q12.1.
Variant type: Duplication.
Identifiers: ClinVar variation 1723285 (VCV001723285.1).